The following is an entry in ClinVar:

ClinVar aggregate classification (germline): Likely benign. Review status: criteria provided, multiple submitters, no conflicts (2 of 4 stars). 8 submissions from 8 submitters: Likely benign (7). 1 of the submissions does not count toward it. Last evaluated 2026-08-01.

Conditions:
Malignant hyperthermia, susceptibility to, 1 (MHS1). Also called: Malignant hyperthermia suceptibility 1; RYR1-Related Malignant Hyperthermia Susceptibility; Anesthesia related hyperthermia; Malignant hyperpyrexia; Fulminating hyperpyrexia; Pharmacogenic myopathy. Identifiers: Orphanet 423, MedGen C2930980, MONDO:0007783, OMIM 145600.
RYR1-related disorder. Also called: RYR1-related condition; RYR1-related disorders. Identifiers: MedGen CN239331.

Allele frequency attached by ClinVar (database versions not stated): ExAC 0.00004; gnomAD 0.00006; TOPMed 0.00012; 1000 Genomes Project 30x 0.00016; 1000 Genomes Project 0.00020.
gnomAD v4.1: 103 of 1,614,116 alleles (0.0064%); highest among the groups gnomAD compares: Admixed American, 0.033%; no homozygotes.

Submissions (8):

CeGaT Center for Human Genetics Tuebingen
Classification: Likely benign. Last evaluated: 2026-08-01. Review status: criteria provided, single submitter. Criteria: CeGaT Center For Human Genetics Tuebingen Variant Classification Criteria Version 2. Collection method: clinical testing. Allele origin: germline. Affected: yes. Observed: 3 variant alleles.
Comment: RYR1: BP4, BP7

Labcorp Genetics (formerly Invitae), Labcorp
Classification: Likely benign for RYR1-related disorder. Last evaluated: 2026-01-08. Review status: criteria provided, single submitter. Criteria: Invitae Variant Classification Sherloc (09022015). Collection method: clinical testing. Allele origin: germline.

Revvity Omics, Revvity
Classification: Likely benign. Last evaluated: 2024-02-06. Review status: criteria provided, single submitter. Criteria: ACMG Guidelines, 2015. Collection method: clinical testing. Allele origin: germline.

All of Us Research Program, National Institutes of Health
Classification: Likely benign for Malignant hyperthermia, susceptibility to, 1. Last evaluated: 2024-02-05. Review status: criteria provided, single submitter. Criteria: ACMG Guidelines, 2015. Collection method: clinical testing. Allele origin: germline. Inheritance: Autosomal dominant inheritance. Observed: 33 variant alleles, 33 heterozygotes.
Comment: This study involves interpretation of variants in research participants for the purpose of population health screening. Participant phenotype was not available at the time of variant classification. Additional details can be found in publication PMID: 35346344, PMCID: PMC8962531

Color Diagnostics, LLC DBA Color Health
Classification: Likely benign for Malignant hyperthermia, susceptibility to, 1. Last evaluated: 2022-05-06. Review status: criteria provided, single submitter. Criteria: ACMG Guidelines, 2015. Collection method: clinical testing. Allele origin: germline.

Blueprint Genetics
Classification: Likely benign. Last evaluated: 2021-12-13. Review status: criteria provided, single submitter. Criteria: ACMG Guidelines, 2015. Collection method: clinical testing. Allele origin: germline.

GeneDx
Classification: Likely benign. Last evaluated: 2021-05-04. Review status: criteria provided, single submitter. Criteria: GeneDx Variant Classification Process June 2021. Collection method: clinical testing. Allele origin: germline. Affected: yes.

PreventionGenetics, part of Exact Sciences
Classification: Likely benign for RYR1-related condition. Last evaluated: 2022-12-20. Review status: no assertion criteria provided. Collection method: clinical testing. Allele origin: germline. Not counted in ClinVar's aggregate classification.
Comment: This variant is classified as likely benign based on ACMG/AMP sequence variant interpretation guidelines (Richards et al. 2015 PMID: 25741868, with internal and published modifications).

NM_000540.3(RYR1):c.7992C>T (p.Phe2664=)

Gene: RYR1 (ryanodine receptor 1; plus strand). Cytogenetic location: 19q13.2.
Variant type: single nucleotide variant.
Coding change: c.7992C>T on transcript NM_000540.3 (MANE Select); coding-DNA position 7992, C replaced by T.
Protein change: p.Phe2664=; no amino-acid change (phenylalanine 2664 retained).
Molecular consequence: synonymous variant.
Genome position (GRCh38, 1-based): chr19:38,504,285, C>T. VCF-style: chr19-38504285-C-T. GRCh37 (hg19) VCF-style: chr19-38994925-C-T.
Other names: c.7992C>T, p.Phe2664= (NM_001042723.2).
Identifiers: ClinVar variation 514494 (VCV000514494.26), dbSNP rs150620191, ClinGen allele CA071202.